The following is an entry in ClinVar:

ClinVar aggregate classification (germline): Uncertain significance (1 of 4 stars; one submission).

Allele frequency attached by ClinVar (database versions not stated): TOPMed below 0.00001; ESP Exome Variant Server 0.00008.

Submission:

Labcorp Genetics (formerly Invitae), Labcorp
Classification: Uncertain significance. Last evaluated: 2025-06-20. Review status: criteria provided, single submitter. Criteria: Invitae Variant Classification Sherloc (09022015). Collection method: clinical testing. Allele origin: germline.
Comment: This sequence change replaces lysine, which is basic and polar, with glutamine, which is neutral and polar, at codon 203 of the PDSS1 protein (p.Lys203Gln). This variant is present in population databases (rs148661087, gnomAD 0.0009%). This variant has not been reported in the literature in individuals affected with PDSS1-related conditions. ClinVar contains an entry for this variant (Variation ID: 2193244). An algorithm developed to predict the effect of missense changes on protein structure and function (PolyPhen-2) suggests that this variant is likely to be disruptive. In summary, the available evidence is currently insufficient to determine the role of this variant in disease. Therefore, it has been classified as a Variant of Uncertain Significance.

NM_014317.5(PDSS1):c.607A>C (p.Lys203Gln)

Gene: PDSS1 (decaprenyl diphosphate synthase subunit 1; plus strand). Cytogenetic location: 10p12.1.
Variant type: single nucleotide variant.
Coding change: c.607A>C on transcript NM_014317.5 (MANE Select); coding-DNA position 607, A replaced by C.
Protein change: p.Lys203Gln; replaces lysine 203 with glutamine.
Molecular consequence: missense variant.
Genome position (GRCh38, 1-based): chr10:26,720,357, A>C. VCF-style: chr10-26720357-A-C. GRCh37 (hg19) VCF-style: chr10-27009286-A-C.
Other names: c.607A>C, p.Lys203Gln (NM_001321978.2); c.97A>C, p.Lys33Gln (NM_001321979.2); short protein forms K203Q, K33Q.
Identifiers: ClinVar variation 2193244 (VCV002193244.2), dbSNP rs148661087, ClinGen allele CA204403388.